The following is an entry in ClinVar:

NM_001291303.3(FAT4):c.11153G>A (p.Arg3718His)

Gene: FAT4 (FAT atypical cadherin 4; plus strand). Cytogenetic location: 4q28.1.
Variant type: single nucleotide variant.
Coding change: c.11153G>A on transcript NM_001291303.3 (MANE Select); coding-DNA position 11153, G replaced by A.
Protein change: p.Arg3718His; replaces arginine 3718 with histidine.
Molecular consequence: missense variant.
Genome position (GRCh38, 1-based): chr4:125,452,163, G>A. VCF-style: chr4-125452163-G-A. GRCh37 (hg19) VCF-style: chr4-126373318-G-A.
Other names: c.11153G>A, p.Arg3718His (NM_001291285.3); c.11147G>A, p.Arg3716His (NM_024582.6); short protein forms R3716H, R3718H.
Identifiers: ClinVar variation 451531 (VCV000451531.12), dbSNP rs139635339, ClinGen allele CA3073799.

ClinVar aggregate classification (germline): Conflicting classifications of pathogenicity. Review status: criteria provided, conflicting classifications (1 of 4 stars). 2 submissions from 2 submitters: Uncertain significance (1); Likely benign (1). Last evaluated 2025-12-01.

Allele frequency attached by ClinVar (database versions not stated): ESP Exome Variant Server 0.00008; ExAC 0.00010; TOPMed 0.00010; gnomAD 0.00013 and 0.00014; gnomAD exomes 0.00013.
gnomAD v4.1: 668 of 1,614,028 alleles (0.041%); highest among the groups gnomAD compares: Non-Finnish European, 0.052%; no homozygotes.

Submissions (2):

Labcorp Genetics (formerly Invitae), Labcorp
Classification: Likely benign. Last evaluated: 2025-12-01. Review status: criteria provided, single submitter. Criteria: Invitae Variant Classification Sherloc (09022015). Collection method: clinical testing. Allele origin: germline.

GeneDx
Classification: Uncertain significance. Last evaluated: 2025-09-12. Review status: criteria provided, single submitter. Criteria: GeneDx Variant Classification Process June 2021. Collection method: clinical testing. Allele origin: germline. Affected: yes.
Comment: In silico analysis supports that this missense variant has a deleterious effect on protein structure/function; This variant is associated with the following publications: (PMID: 37813462)